The following is an entry in ClinVar:

NM_001370259.2(MEN1):c.79C>T (p.Leu27=)

Gene: MEN1 (menin 1; minus strand). Cytogenetic location: 11q13.1.
Variant type: single nucleotide variant.
Coding change: c.79C>T on transcript NM_001370259.2 (MANE Select); coding-DNA position 79, C replaced by T.
Protein change: p.Leu27=; no amino-acid change (leucine 27 retained).
Molecular consequence: synonymous variant.
Genome position (GRCh38, 1-based): chr11:64,810,031, G>A on the plus strand (C>T on the coding strand, the complement: MEN1 is on the minus strand). VCF-style: chr11-64810031-G-A. GRCh37 (hg19) VCF-style: chr11-64577503-G-A.
Other names: c.79C>T, p.Leu27= (NM_000244.4, NM_001370251.2, NM_001370260.2 and 9 more transcripts).
Identifiers: ClinVar variation 704737 (VCV000704737.12), dbSNP rs1006536599, ClinGen allele CA223917214.

ClinVar aggregate classification (germline): Likely benign. Review status: criteria provided, multiple submitters, no conflicts (2 of 4 stars). 3 submissions from 3 submitters: Likely benign (3). Last evaluated 2025-07-13.

Conditions:
Hereditary cancer-predisposing syndrome. Also called: Tumor predisposition; Hereditary neoplastic syndrome; Neoplastic Syndromes, Hereditary; Hereditary Cancer Syndrome. Identifiers: Orphanet 140162, MedGen C0027672, MeSH D009386, MONDO:0015356.
Multiple endocrine neoplasia, type 1 (MEN1). Also called: MEN I; WERMER SYNDROME; MEA I; Endocrine adenomatosis multiple; MEN 1. Identifiers: Orphanet 652, MedGen C0025267, MeSH D018761, MONDO:0007540, OMIM 131100.

Allele frequency attached by ClinVar (database versions not stated): gnomAD exomes below 0.00001; TOPMed 0.00003.
gnomAD v4.1: 2 of 1,609,522 alleles (0.00012%); highest among the groups gnomAD compares: East Asian, 0.0022%; no homozygotes.

Submissions (3):

Labcorp Genetics (formerly Invitae), Labcorp
Classification: Likely benign for Multiple endocrine neoplasia, type 1. Last evaluated: 2025-07-13. Review status: criteria provided, single submitter. Criteria: Invitae Variant Classification Sherloc (09022015). Collection method: clinical testing. Allele origin: germline.

All of Us Research Program, National Institutes of Health
Classification: Likely benign for Multiple endocrine neoplasia, type 1. Last evaluated: 2023-10-02. Review status: criteria provided, single submitter. Criteria: ACMG Guidelines, 2015. Collection method: clinical testing. Allele origin: germline. Inheritance: Autosomal dominant inheritance. Observed: 1 variant allele, 1 heterozygote.
Comment: This study involves interpretation of variants in research participants for the purpose of population health screening. Participant phenotype was not available at the time of variant classification. Additional details can be found in publication PMID: 35346344, PMCID: PMC8962531

Ambry Genetics
Classification: Likely benign for Hereditary cancer-predisposing syndrome. Last evaluated: 2020-03-16. Review status: criteria provided, single submitter. Criteria: Ambry Variant Classification Scheme 2023. Collection method: clinical testing. Allele origin: germline.